The following is an entry in ClinVar:

ClinVar aggregate classification (germline): Benign/Likely benign. Review status: criteria provided, multiple submitters, no conflicts (2 of 4 stars). 2 submissions from 2 submitters: Benign (1); Likely benign (1). Last evaluated 2026-04-27.

Conditions:
Colorectal cancer, susceptibility to, 1. Also called: COLORECTAL ADENOMA AND CANCER, SUSCEPTIBILITY TO; COLORECTAL CANCER, SUSCEPTIBILITY TO, ON CHROMOSOME 9. Identifiers: MedGen C1837315, MONDO:0012132, OMIM 608812.

Allele frequency attached by ClinVar (database versions not stated): TOPMed below 0.00001.

Submissions (2):

Myriad Genetics, Inc.
Classification: Benign for Colorectal cancer, susceptibility to, 1. Last evaluated: 2026-04-27. Review status: criteria provided, single submitter. Criteria: Myriad Autosomal Dominant, Autosomal Recessive and X-Linked Classification Criteria (2023). Collection method: clinical testing. Allele origin: unknown.
Comment: This variant is considered benign. This variant is a silent/synonymous amino acid change and it is not expected to impact splicing.

Ambry Genetics
Classification: Likely benign. Last evaluated: 2022-05-19. Review status: criteria provided, single submitter. Criteria: Ambry Variant Classification Scheme 2023. Collection method: clinical testing. Allele origin: germline.

NM_024642.5(GALNT12):c.1434C>T (p.Leu478=)

Gene: GALNT12 (polypeptide N-acetylgalactosaminyltransferase 12; plus strand). Cytogenetic location: 9q22.33.
Variant type: single nucleotide variant.
Coding change: c.1434C>T on transcript NM_024642.5 (MANE Select); coding-DNA position 1434, C replaced by T.
Protein change: p.Leu478=; no amino-acid change (leucine 478 retained).
Molecular consequence: synonymous variant.
Genome position (GRCh38, 1-based): chr9:98,844,185, C>T. VCF-style: chr9-98844185-C-T. GRCh37 (hg19) VCF-style: chr9-101606467-C-T.
Identifiers: ClinVar variation 1772578 (VCV001772578.3), dbSNP rs1836361287, ClinGen allele CA466425225.